The following is an entry in ClinVar:

ClinVar aggregate classification (germline): Uncertain significance (1 of 4 stars; one submission).

Allele frequency attached by ClinVar (database versions not stated): gnomAD exomes below 0.00001; gnomAD 0.00001; TOPMed 0.00002.
gnomAD v4.1: 1 of 1,613,280 alleles (0.000062%); highest among the groups gnomAD compares: African/African-American, 0.0013%; no homozygotes.

Submission:

Labcorp Genetics (formerly Invitae), Labcorp
Classification: Uncertain significance. Last evaluated: 2024-05-15. Review status: criteria provided, single submitter. Criteria: Invitae Variant Classification Sherloc (09022015). Collection method: clinical testing. Allele origin: germline.
Comment: This sequence change replaces tryptophan, which is neutral and slightly polar, with arginine, which is basic and polar, at codon 2257 of the SZT2 protein (p.Trp2257Arg). This variant is present in population databases (no rsID available, gnomAD 0.003%). This variant has not been reported in the literature in individuals affected with SZT2-related conditions. ClinVar contains an entry for this variant (Variation ID: 644484). Advanced modeling of protein sequence and biophysical properties (such as structural, functional, and spatial information, amino acid conservation, physicochemical variation, residue mobility, and thermodynamic stability) performed at Invitae indicates that this missense variant is not expected to disrupt SZT2 protein function with a negative predictive value of 80%. In summary, the available evidence is currently insufficient to determine the role of this variant in disease. Therefore, it has been classified as a Variant of Uncertain Significance.

NM_001365999.1(SZT2):c.6940T>C (p.Trp2314Arg)

Gene: SZT2 (SZT2 subunit of KICSTOR complex; plus strand). Cytogenetic location: 1p34.2.
Variant type: single nucleotide variant.
Coding change: c.6940T>C on transcript NM_001365999.1 (MANE Select); coding-DNA position 6940, T replaced by C.
Protein change: p.Trp2314Arg; replaces tryptophan 2314 with arginine.
Molecular consequence: missense variant.
Genome position (GRCh38, 1-based): chr1:43,439,667, T>C. VCF-style: chr1-43439667-T-C. GRCh37 (hg19) VCF-style: chr1-43905338-T-C.
Other names: c.6769T>C, p.Trp2257Arg (NM_015284.4); short protein forms W2314R, W2257R.
Identifiers: ClinVar variation 644484 (VCV000644484.8), dbSNP rs1000003861, ClinGen allele CA21645060.
Genomic context (GRCh38, chr1:43,439,667, plus strand): 5'-GTTGCCTGCATCACTCTAGCCTTTGTGGATGAAGGAGGGGCCCCCTTGTCACTGGCGTTG[T>C]GGCCCCCCTCCTCTCCGGGGCCCCCAGACCCACTGCGAGAGGAGGAATTTGAGCAACTGA-3'
Protein context (NP_001352928.1, residues 2304-2324): EGGAPLSLAL[Trp2314Arg]PPSSPGPPDP